The following is an entry in ClinVar:

ClinVar aggregate classification (germline): Uncertain significance. Review status: criteria provided, multiple submitters, no conflicts (2 of 4 stars). 7 submissions from 7 submitters: Uncertain significance (7). Last evaluated 2025-10-25.

Conditions:
Cardiovascular phenotype. Identifiers: MedGen CN230736.
Hypertrophic cardiomyopathy 6. Identifiers: MedGen C1833236, MONDO:0010946, OMIM 600858.
Lethal congenital glycogen storage disease of heart. Also called: GLYCOGEN STORAGE DISEASE OF HEART; PHOSPHORYLASE KINASE DEFICIENCY OF HEART. Identifiers: Orphanet 439854, MedGen C1849813, MONDO:0009867, OMIM 261740.

Allele frequency attached by ClinVar (database versions not stated): gnomAD exomes below 0.00001; gnomAD 0.00001; TOPMed 0.00001.
gnomAD v4.1: 6 of 1,613,734 alleles (0.00037%); highest among the groups gnomAD compares: Non-Finnish European, 0.00051%; no homozygotes.

Submissions (7):

Ambry Genetics
Classification: Uncertain significance for Cardiovascular phenotype. Last evaluated: 2025-10-25. Review status: criteria provided, single submitter. Criteria: Ambry Variant Classification Scheme 2023. Collection method: clinical testing. Allele origin: germline.
Comment: The p.R456Q variant (also known as c.1367G>A), located in coding exon 12 of the PRKAG2 gene, results from a G to A substitution at nucleotide position 1367. The arginine at codon 456 is replaced by glutamine, an amino acid with highly similar properties. This amino acid position is conserved. In addition, this alteration is predicted to be deleterious by in silico analysis. Based on the available evidence, the clinical significance of this variant remains unclear.

Labcorp Genetics (formerly Invitae), Labcorp
Classification: Uncertain significance for Lethal congenital glycogen storage disease of heart. Last evaluated: 2025-03-18. Review status: criteria provided, single submitter. Criteria: Invitae Variant Classification Sherloc (09022015). Collection method: clinical testing. Allele origin: germline.
Comment: This sequence change replaces arginine, which is basic and polar, with glutamine, which is neutral and polar, at codon 456 of the PRKAG2 protein (p.Arg456Gln). This variant is not present in population databases (gnomAD no frequency). This variant has not been reported in the literature in individuals affected with PRKAG2-related conditions. ClinVar contains an entry for this variant (Variation ID: 181479). Invitae Evidence Modeling of protein sequence and biophysical properties (such as structural, functional, and spatial information, amino acid conservation, physicochemical variation, residue mobility, and thermodynamic stability) has been performed for this missense variant. However, the output from this modeling did not meet the statistical confidence thresholds required to predict the impact of this variant on PRKAG2 protein function. In summary, the available evidence is currently insufficient to determine the role of this variant in disease. Therefore, it has been classified as a Variant of Uncertain Significance.

Clinical Genetics Laboratory, Skane University Hospital Lund
Classification: Uncertain significance. Last evaluated: 2022-05-27. Review status: criteria provided, single submitter. Criteria: ACMG Guidelines, 2015. Collection method: clinical testing. Allele origin: germline. Affected: yes.

Blueprint Genetics
Classification: Uncertain significance. Last evaluated: 2021-06-03. Review status: criteria provided, single submitter. Criteria: ACMG Guidelines, 2015. Collection method: clinical testing. Allele origin: germline.

Baylor Genetics
Classification: Uncertain significance for Hypertrophic cardiomyopathy 6. Last evaluated: 2018-11-11. Review status: criteria provided, single submitter. Criteria: ACMG Guidelines, 2015. Collection method: clinical testing. Allele origin: maternal. Affected: yes. Study: CSER-TexasKidsCanSeq.
Comment: This variant was determined to be of uncertain significance according to ACMG Guidelines, 2015 [PMID:25741868].

GeneDx
Classification: Uncertain significance. Last evaluated: 2013-12-30. Review status: criteria provided, single submitter. Criteria: GeneDx Variant Classification (06012015). Collection method: clinical testing. Allele origin: germline. Affected: yes.
Comment: p.Arg456Gln (CGA>CAA): c.1367 G>A in exon 12 of the PRKAG2 gene (NM_016203.3) The Arg456Gln variant in the PRKAG2 gene has not been reported as a disease-causing mutation or as a benign polymorphism to our knowledge.The Arg456Gln variant is a semi-conservative amino acid substitution as these residues share similar properties, but differ in size, charge, or other properties which may impact secondary structure. The Ag456 residue is conserved across species. In addition, in silico analysis predicts Arg456Gln is possibly damaging to the protein structure/function. The Arg456Gln variant was not observed in approximately 6,500 individuals of European and African American ancestry in the NHLBI Exome Sequencing Project, indicating it is not a common benign variant in these populations. Nevertheless, no mutations affecting nearby residues have been reported in association with cardiomyopathy, indicating this region of the protein may be tolerant of change. With the clinical and molecular information available at this time, we cannot definitively determine if Arg456Gln is a disease-causing mutation or a rare benign variant. The variant is found in CARDIOMYOPATHY panel(s).

Stanford Center for Inherited Cardiovascular Disease, Stanford University
Classification: Uncertain significance. Last evaluated: 2011-12-28. Review status: criteria provided, single submitter. Criteria: ACMG Guidelines, 2015. Collection method: provider interpretation. Allele origin: germline.

NM_016203.4(PRKAG2):c.1367G>A (p.Arg456Gln)

Gene: PRKAG2 (protein kinase AMP-activated non-catalytic subunit gamma 2; minus strand). Cytogenetic location: 7q36.1.
Variant type: single nucleotide variant.
Coding change: c.1367G>A on transcript NM_016203.4 (MANE Select); coding-DNA position 1367, G replaced by A.
Protein change: p.Arg456Gln; replaces arginine 456 with glutamine.
Molecular consequence: missense variant.
Genome position (GRCh38, 1-based): chr7:151,565,752, C>T on the plus strand (G>A on the coding strand, the complement: PRKAG2 is on the minus strand). VCF-style: chr7-151565752-C-T. GRCh37 (hg19) VCF-style: chr7-151262838-C-T.
Other names: p.R456Q:CGA>CAA; c.1235G>A, p.Arg412Gln (NM_001040633.2); c.992G>A, p.Arg331Gln (NM_001304527.2); c.644G>A, p.Arg215Gln (NM_001304531.2, NM_024429.2); c.995G>A, p.Arg332Gln (NM_001363698.2); short protein forms R456Q, R215Q, R412Q, R331Q, R332Q.
Identifiers: ClinVar variation 181479 (VCV000181479.14), dbSNP rs730880980, ClinGen allele CA013760.